The following is an entry in ClinVar:

ClinVar aggregate classification (germline): Uncertain significance. Review status: criteria provided, multiple submitters, no conflicts (2 of 4 stars). 2 submissions from 2 submitters: Uncertain significance (2). Last evaluated 2024-09-09.

Conditions:
Charcot-Marie-Tooth disease axonal type 2P. Also called: CHARCOT-MARIE-TOOTH NEUROPATHY, TYPE 2P; Charcot-Marie-Tooth Neuropathy Type 2G; CHARCOT-MARIE-TOOTH DISEASE, AXONAL, TYPE 2G; CMT 2G. Identifiers: Orphanet 300319, Orphanet 99941, MedGen C3280797, MONDO:0013753, OMIM 614436.

Allele frequency attached by ClinVar (database versions not stated): ExAC 0.00001; gnomAD exomes 0.00001.
gnomAD v4.1: 3 of 1,613,894 alleles (0.00019%); highest among the groups gnomAD compares: Non-Finnish European, 0.00025%; no homozygotes.

Submissions (2):

GeneDx
Classification: Uncertain significance. Last evaluated: 2024-09-09. Review status: criteria provided, single submitter. Criteria: GeneDx Variant Classification Process June 2021. Collection method: clinical testing. Allele origin: germline. Affected: yes.
Comment: Not observed at significant frequency in large population cohorts (gnomAD); In silico analysis indicates that this missense variant does not alter protein structure/function; Has not been previously published as pathogenic or benign to our knowledge

Labcorp Genetics (formerly Invitae), Labcorp
Classification: Uncertain significance for Charcot-Marie-Tooth disease axonal type 2P. Last evaluated: 2024-01-31. Review status: criteria provided, single submitter. Criteria: Invitae Variant Classification Sherloc (09022015). Collection method: clinical testing. Allele origin: germline.
Comment: This sequence change replaces valine, which is neutral and non-polar, with methionine, which is neutral and non-polar, at codon 670 of the LRSAM1 protein (p.Val670Met). This variant is present in population databases (rs778980908, gnomAD 0.002%). This variant has not been reported in the literature in individuals affected with LRSAM1-related conditions. Advanced modeling of protein sequence and biophysical properties (such as structural, functional, and spatial information, amino acid conservation, physicochemical variation, residue mobility, and thermodynamic stability) performed at Invitae indicates that this missense variant is not expected to disrupt LRSAM1 protein function with a negative predictive value of 80%. In summary, the available evidence is currently insufficient to determine the role of this variant in disease. Therefore, it has been classified as a Variant of Uncertain Significance.

NM_001005373.4(LRSAM1):c.2008G>A (p.Val670Met)

Gene: LRSAM1 (leucine rich repeat and sterile alpha motif containing 1; plus strand). Cytogenetic location: 9q34.11.
Variant type: single nucleotide variant.
Coding change: c.2008G>A on transcript NM_001005373.4 (MANE Select); coding-DNA position 2008, G replaced by A.
Protein change: p.Val670Met; replaces valine 670 with methionine.
Molecular consequence: missense variant. On other transcripts: non-coding transcript variant (2).
Genome position (GRCh38, 1-based): chr9:127,501,105, G>A. VCF-style: chr9-127501105-G-A. GRCh37 (hg19) VCF-style: chr9-130263384-G-A.
Other names: c.2008G>A, p.Val670Met (NM_001005374.4, NM_138361.5, NM_001384142.1); c.1927G>A, p.Val643Met (NM_001190723.3); c.1909G>A, p.Val637Met (NM_001384143.1); c.1219G>A, p.Val407Met (NM_001384144.1); short protein forms V670M, V407M, V637M, V643M.
Identifiers: ClinVar variation 3019251 (VCV003019251.4), dbSNP rs778980908, ClinGen allele CA5247223.